The following is an entry in ClinVar:

ClinVar aggregate classification (germline): Likely benign. Review status: reviewed by expert panel (3 of 4 stars). 5 submissions from 5 submitters: Likely benign (1). 4 of the submissions do not count toward it. Last evaluated 2017-06-29.

Conditions:
Hereditary cancer-predisposing syndrome. Also called: Tumor predisposition; Hereditary Cancer Syndrome; Hereditary neoplastic syndrome; Neoplastic Syndromes, Hereditary. Identifiers: Orphanet 140162, MedGen C0027672, MeSH D009386, MONDO:0015356.
Hereditary breast ovarian cancer syndrome. Also called: Breast and ovarian cancer; Hereditary breast and ovarian cancer syndrome; Hereditary breast and ovarian cancer; BRCA1- and BRCA2-Associated Hereditary Breast and Ovarian Cancer; Hereditary breast and ovarian cancer syndrome (HBOC); Hereditary breast and/or ovarian cancer syndrome. Identifiers: Orphanet 145, MedGen C0677776, MeSH D061325, MONDO:0003582. Disease mechanism: loss of function.
Breast-ovarian cancer, familial, susceptibility to, 2 (BROVCA2). Also called: BRCA2 Hereditary Breast and Ovarian Cancer. Identifiers: Orphanet 145, MedGen C2675520, MONDO:0012933, OMIM 612555. Disease mechanism: loss of function.

Allele frequency attached by ClinVar (database versions not stated): gnomAD exomes below 0.00001; TOPMed 0.00001.
gnomAD v4.1: 1 of 1,596,958 alleles (0.000063%); highest among the groups gnomAD compares: Non-Finnish European, 0.000085%; no homozygotes.

Submissions (5):

Evidence-based Network for the Interpretation of Germline Mutant Alleles (ENIGMA)
Classification: Likely benign for Breast-ovarian cancer, familial, susceptibility to, 2. Last evaluated: 2017-06-29. Review status: reviewed by expert panel. Criteria: ENIGMA BRCA1/2 Classification Criteria (2017-06-29). Collection method: curation. Allele origin: germline.
Comment: Synonymous substitution variant, with low bioinformatic likelihood to result in a splicing aberration (Splicing prior probability 0.02).

Labcorp Genetics (formerly Invitae), Labcorp
Classification: Likely benign for Hereditary breast ovarian cancer syndrome. Last evaluated: 2025-11-24. Review status: criteria provided, single submitter. Criteria: Invitae Variant Classification Sherloc (09022015). Collection method: clinical testing. Allele origin: germline. Not counted in ClinVar's aggregate classification.

GeneDx
Classification: Likely benign. Last evaluated: 2020-01-02. Review status: criteria provided, single submitter. Criteria: GeneDx Variant Classification Process June 2021. Collection method: clinical testing. Allele origin: germline. Affected: yes. Not counted in ClinVar's aggregate classification.

Color Diagnostics, LLC DBA Color Health
Classification: Likely benign for Hereditary cancer-predisposing syndrome. Last evaluated: 2019-10-02. Review status: criteria provided, single submitter. Criteria: ACMG Guidelines, 2015. Collection method: clinical testing. Allele origin: germline. Not counted in ClinVar's aggregate classification.

Ambry Genetics
Classification: Likely benign for Hereditary cancer-predisposing syndrome. Last evaluated: 2014-07-10. Review status: criteria provided, single submitter. Criteria: Ambry Variant Classification Scheme 2023. Collection method: clinical testing. Allele origin: germline. Not counted in ClinVar's aggregate classification.

NM_000059.4(BRCA2):c.4248A>G (p.Gln1416=)

Gene: BRCA2 (BRCA2 DNA repair associated; plus strand). Cytogenetic location: 13q13.1.
Variant type: single nucleotide variant.
Coding change: c.4248A>G on transcript NM_000059.4 (MANE Select); coding-DNA position 4248, A replaced by G.
Protein change: p.Gln1416=; no amino-acid change (glutamine 1416 retained).
Molecular consequence: synonymous variant.
Genome position (GRCh38, 1-based): chr13:32,338,603, A>G. VCF-style: chr13-32338603-A-G. GRCh37 (hg19) VCF-style: chr13-32912740-A-G.
Identifiers: ClinVar variation 185043 (VCV000185043.23), dbSNP rs786201887, ClinGen allele CA019784.